The following is an entry in ClinVar:

ClinVar aggregate classification (germline): Uncertain significance. Review status: criteria provided, multiple submitters, no conflicts (2 of 4 stars). 2 submissions from 2 submitters: Uncertain significance (2). Last evaluated 2025-11-26.

Allele frequency attached by ClinVar (database versions not stated): gnomAD exomes 0.00001; ExAC 0.00002; 1000 Genomes Project 30x 0.00016; 1000 Genomes Project 0.00020.
gnomAD v4.1: 25 of 1,614,092 alleles (0.0015%); highest among the groups gnomAD compares: Admixed American, 0.028%; no homozygotes.

Submissions (2):

Ambry Genetics
Classification: Uncertain significance. Last evaluated: 2025-11-26. Review status: criteria provided, single submitter. Criteria: Ambry Variant Classification Scheme 2023. Collection method: clinical testing. Allele origin: germline.

Labcorp Genetics (formerly Invitae), Labcorp
Classification: Uncertain significance. Last evaluated: 2020-10-20. Review status: criteria provided, single submitter. Criteria: Invitae Variant Classification Sherloc (09022015). Collection method: clinical testing. Allele origin: germline.
Comment: Algorithms developed to predict the effect of missense changes on protein structure and function do not agree on the potential impact of this missense change (SIFT: "Deleterious"; PolyPhen-2: "Probably Damaging"; Align-GVGD: "Class C0"). In summary, the available evidence is currently insufficient to determine the role of this variant in disease. Therefore, it has been classified as a Variant of Uncertain Significance. This variant has not been reported in the literature in individuals with ADCY10-related disease. This variant is present in population databases (rs200416907, ExAC 0.009%). This sequence change replaces leucine with proline at codon 532 of the ADCY10 protein (p.Leu532Pro). The leucine residue is highly conserved and there is a moderate physicochemical difference between leucine and proline.

NM_018417.6(ADCY10):c.1595T>C (p.Leu532Pro)

Genes: ADCY10 (adenylate cyclase 10; minus strand), DCAF6 (DDB1 and CUL4 associated factor 6; plus strand). Cytogenetic location: 1q24.2.
Variant type: single nucleotide variant.
Coding change: c.1595T>C on transcript NM_018417.6 (MANE Select); coding-DNA position 1595, T replaced by C.
Protein change: p.Leu532Pro; replaces leucine 532 with proline.
Molecular consequence: missense variant.
Genome position (GRCh38, 1-based): chr1:167,870,278, A>G on the plus strand (T>C on the coding strand, the complement: ADCY10 is on the minus strand). VCF-style: chr1-167870278-A-G. GRCh37 (hg19) VCF-style: chr1-167839516-A-G.
Other names: c.1136T>C, p.Leu379Pro (NM_001167749.3); c.1319T>C, p.Leu440Pro (NM_001297772.2); c.1595T>C (NM_018417.4); short protein forms L379P, L440P, L532P.
Identifiers: ClinVar variation 1063254 (VCV001063254.7), dbSNP rs200416907, ClinGen allele CA1227893.
Genomic context (GRCh38, chr1:167,870,278, plus strand): 5'-CTATGGGTTCACACAGAACAATCATTCCAAGACACTCACCTGTGATTCTTACCTTGGGCC[A>G]GGTACTCAATTTTCATAAGTATCTGGCTTTTTCCATATCCTGGTAATCCCTCATACATTA-3'
Protein context (NP_060887.2, residues 522-542): KSQILMKIEY[Leu532Pro]AQGKNHRIIA